The following is an entry in ClinVar:

NM_000097.7(CPOX):c.371C>T (p.Ala124Val)

Gene: CPOX (coproporphyrinogen oxidase; minus strand). Cytogenetic location: 3q11.2.
Variant type: single nucleotide variant.
Coding change: c.371C>T on transcript NM_000097.7 (MANE Select); coding-DNA position 371, C replaced by T.
Protein change: p.Ala124Val; replaces alanine 124 with valine.
Molecular consequence: missense variant.
Genome position (GRCh38, 1-based): chr3:98,593,134, G>A on the plus strand (C>T on the coding strand, the complement: CPOX is on the minus strand). VCF-style: chr3-98593134-G-A. GRCh37 (hg19) VCF-style: chr3-98311978-G-A.
Other names: short protein forms A124V.
Identifiers: ClinVar variation 2873096 (VCV002873096.3), dbSNP rs1707513853, ClinGen allele CA353646611.
Genomic context (GRCh38, chr3:98,593,134, plus strand): 5'-CTCCTTCGCAGCTCGCCCAGGTCGGTCACAGGCGGGGCCATGAAGCTGCTGCAGCGGTGG[G>A]CCAGCTCATCCTCCTCCTCCTCCGGCCTCCCCAGCGAAGTGGCCCGCGTCCCCGAGGTCT-3'
Protein context (NP_000088.3, residues 114-134): GRPEEEEDEL[Ala124Val]HRCSSFMAPP

ClinVar aggregate classification (germline): Uncertain significance (1 of 4 stars; one submission).

Allele frequency attached by ClinVar (database versions not stated): gnomAD exomes below 0.00001.
gnomAD v4.1: 2 of 1,612,850 alleles (0.00012%); highest among the groups gnomAD compares: East Asian, 0.0022%; no homozygotes.

Submission:

Labcorp Genetics (formerly Invitae), Labcorp
Classification: Uncertain significance. Last evaluated: 2025-07-28. Review status: criteria provided, single submitter. Criteria: Invitae Variant Classification Sherloc (09022015). Collection method: clinical testing. Allele origin: germline.
Comment: This sequence change replaces alanine, which is neutral and non-polar, with valine, which is neutral and non-polar, at codon 124 of the CPOX protein (p.Ala124Val). This variant is not present in population databases (gnomAD no frequency). This variant has not been reported in the literature in individuals affected with CPOX-related conditions. ClinVar contains an entry for this variant (Variation ID: 2873096). Invitae Evidence Modeling of protein sequence and biophysical properties (such as structural, functional, and spatial information, amino acid conservation, physicochemical variation, residue mobility, and thermodynamic stability) indicates that this missense variant is not expected to disrupt CPOX protein function with a negative predictive value of 80%. In summary, the available evidence is currently insufficient to determine the role of this variant in disease. Therefore, it has been classified as a Variant of Uncertain Significance.